The following is an entry in ClinVar:

NM_203395.3(IYD):c.178G>A (p.Asp60Asn)

Gene: IYD (iodotyrosine deiodinase; plus strand). Cytogenetic location: 6q25.1.
Variant type: single nucleotide variant.
Coding change: c.178G>A on transcript NM_203395.3 (MANE Select); coding-DNA position 178, G replaced by A.
Protein change: p.Asp60Asn; replaces aspartic acid 60 with asparagine.
Molecular consequence: missense variant. On other transcripts: 5 prime UTR variant (1), non-coding transcript variant (1).
Genome position (GRCh38, 1-based): chr6:150,369,209, G>A. VCF-style: chr6-150369209-G-A. GRCh37 (hg19) VCF-style: chr6-150690345-G-A.
Other names: c.178G>A, p.Asp60Asn (NM_001164694.2, NM_001164695.2); c.-1G>A (NM_001318495.2); short protein forms D60N.
Identifiers: ClinVar variation 4534434 (VCV004534434.6).

ClinVar aggregate classification (germline): Uncertain significance (1 of 4 stars; one submission).

gnomAD v4.1: 12 of 1,611,798 alleles (0.00074%); highest among the groups gnomAD compares: Non-Finnish European, 0.00093%; no homozygotes.

Submission:

CeGaT Center for Human Genetics Tuebingen
Classification: Uncertain significance. Last evaluated: 2025-10-01. Review status: criteria provided, single submitter. Criteria: CeGaT Center For Human Genetics Tuebingen Variant Classification Criteria Version 2. Collection method: clinical testing. Allele origin: germline. Affected: yes. Observed: 1 variant allele.
Comment: IYD: PM2, BP4